The following is an entry in ClinVar:

NM_000245.4(MET):c.2359A>T (p.Thr787Ser)

Gene: MET (MET proto-oncogene, receptor tyrosine kinase; plus strand). Cytogenetic location: 7q31.2.
Variant type: single nucleotide variant.
Coding change: c.2359A>T on transcript NM_000245.4 (MANE Select); coding-DNA position 2359, A replaced by T.
Protein change: p.Thr787Ser; replaces threonine 787 with serine.
Molecular consequence: missense variant.
Genome position (GRCh38, 1-based): chr7:116,759,485, A>T. VCF-style: chr7-116759485-A-T. GRCh37 (hg19) VCF-style: chr7-116399539-A-T.
Other names: c.2413A>T, p.Thr805Ser (NM_001127500.3); c.2359A>T, p.Thr787Ser (NM_001324401.3); c.1069A>T, p.Thr357Ser (NM_001324402.2); short protein forms T357S, T787S, T805S.
Identifiers: ClinVar variation 3363493 (VCV003363493.1).

ClinVar aggregate classification (germline): Uncertain significance (1 of 4 stars; one submission).

Submission:

GeneDx
Classification: Uncertain significance. Last evaluated: 2023-10-24. Review status: criteria provided, single submitter. Criteria: GeneDx Variant Classification Process June 2021. Collection method: clinical testing. Allele origin: germline. Affected: yes.
Comment: Not observed at significant frequency in large population cohorts (gnomAD); In silico analysis supports that this missense variant does not alter protein structure/function; Has not been previously published as pathogenic or benign to our knowledge